The following is an entry in ClinVar:

ClinVar aggregate classification (germline): Pathogenic. Review status: reviewed by expert panel (3 of 4 stars). 4 submissions from 4 submitters: Pathogenic (1). 3 of the submissions do not count toward it. Last evaluated 2019-03-11.

Conditions:
CFTR-related disorder (CFTR-RD). Also called: CFTR-related disorders; CFTR-related condition. Identifiers: MedGen C5924204, MONDO:7770004.
Cystic fibrosis (CF). Also called: MUCOVISCIDOSIS. Identifiers: Orphanet 586, MedGen C0010674, MONDO:0009061, OMIM 219700. Disease mechanism: loss of function.

Submissions (4):

CFTR2
Classification: Pathogenic for Cystic fibrosis. Last evaluated: 2019-03-11. Review status: reviewed by expert panel. Criteria: Sosnay PR et al. (Nat Genet 2013). Collection method: research. Allele origin: germline. Affected: yes.

Natera, Inc.
Classification: Pathogenic for CFTR-related disorders. Last evaluated: 2025-05-09. Review status: criteria provided, single submitter. Criteria: Natera Variant Classification Schema (03/2026). Collection method: clinical testing. Allele origin: germline. Not counted in ClinVar's aggregate classification.
Comment: The c.1037T>C variant in CFTR is a missense variant predicted to cause substitution of leucine to proline at amino acid 346. This variant is rare in the general population with a frequency below the threshold expected for the associated phenotype(s). This variant has been observed in one or more individuals affected with the associated recessive disease, as either homozygous or compound heterozygous with a second variant (PMID: 34600583). Functional studies show that this variant may disrupt protein function (PMID: 38388235). Computational prediction algorithms indicate this variant is likely to affect gene or protein function. Given the available evidence, this variant is classified as Pathogenic.

Institute of Human Genetics, University of Leipzig Medical Center
Classification: Likely pathogenic for Cystic fibrosis. Last evaluated: 2022-09-05. Review status: criteria provided, single submitter. Criteria: ACMG Guidelines, 2015. Collection method: curation. Allele origin: unknown. Affected: yes. Observed: 1 variant allele. Not counted in ClinVar's aggregate classification.
Comment: The variant was classified in the context of a project re-classifying variants in the German Cystic Fibrosis Registry (Muko.e.V.). Criteria applied: PM3_STR, PM2_SUP, PP3, PP4

ClinVar Staff, National Center for Biotechnology Information (NCBI)
No classification provided. Condition: CFTR-related disorders. Review status: no classification provided. Collection method: literature only. Allele origin: germline. Affected: yes. Not counted in ClinVar's aggregate classification.

Literature cited by the submitters: PubMed 34600583 (cited by Natera, Inc.); PubMed 38388235 (cited by Natera, Inc.); PubMed 18456578 (cited by ClinVar Staff, National Center for Biotechnology Information (NCBI)); PubMed 11180668 (cited by ClinVar Staff, National Center for Biotechnology Information (NCBI)).

NM_000492.4(CFTR):c.1037T>C (p.Leu346Pro)

Gene: CFTR (CF transmembrane conductance regulator; plus strand). Cytogenetic location: 7q31.2.
Variant type: single nucleotide variant.
Coding change: c.1037T>C on transcript NM_000492.4 (MANE Select); coding-DNA position 1037, T replaced by C.
Protein change: p.Leu346Pro; replaces leucine 346 with proline.
Molecular consequence: missense variant.
Genome position (GRCh38, 1-based): chr7:117,540,267, T>C. VCF-style: chr7-117540267-T-C. GRCh37 (hg19) VCF-style: chr7-117180321-T-C.
Other names: short protein forms L346P.
Identifiers: ClinVar variation 53171 (VCV000053171.5), dbSNP rs397508146, ClinGen allele CA326372.